The following is an entry in ClinVar:

ClinVar aggregate classification (germline): Uncertain significance (1 of 4 stars; one submission).

gnomAD v4.1: 5 of 1,613,830 alleles (0.00031%); highest among the groups gnomAD compares: South Asian, 0.0044%; no homozygotes.

Submission:

Labcorp Genetics (formerly Invitae), Labcorp
Classification: Uncertain significance. Last evaluated: 2022-06-09. Review status: criteria provided, single submitter. Criteria: Invitae Variant Classification Sherloc (09022015). Collection method: clinical testing. Allele origin: germline.
Comment: In summary, the available evidence is currently insufficient to determine the role of this variant in disease. Therefore, it has been classified as a Variant of Uncertain Significance. Algorithms developed to predict the effect of missense changes on protein structure and function (SIFT, PolyPhen-2, Align-GVGD) all suggest that this variant is likely to be tolerated. ClinVar contains an entry for this variant (Variation ID: 1009358). This variant has not been reported in the literature in individuals affected with CAPN5-related conditions. This variant is not present in population databases (gnomAD no frequency). This sequence change replaces arginine, which is basic and polar, with leucine, which is neutral and non-polar, at codon 414 of the CAPN5 protein (p.Arg414Leu).

NM_004055.5(CAPN5):c.1241G>T (p.Arg414Leu)

Gene: CAPN5 (calpain 5; plus strand). Cytogenetic location: 11q13.5.
Variant type: single nucleotide variant.
Coding change: c.1241G>T on transcript NM_004055.5 (MANE Select); coding-DNA position 1241, G replaced by T.
Protein change: p.Arg414Leu; replaces arginine 414 with leucine.
Molecular consequence: missense variant.
Genome position (GRCh38, 1-based): chr11:77,119,103, G>T. VCF-style: chr11-77119103-G-T. GRCh37 (hg19) VCF-style: chr11-76830149-G-T.
Other names: short protein forms R414L.
Identifiers: ClinVar variation 1009358 (VCV001009358.8), dbSNP rs368150644, ClinGen allele CA381942373.
Genomic context (GRCh38, chr11:77,119,103, plus strand): 5'-TCAAGAAGCCAGAAGATGAAGTCCTGATCTGCATCCAGCAGCGGCCAAAGCGGTCTACGC[G>T]CCGGGAGGGCAAGGGTGAGAACCTGGCCATTGGCTTTGACATCTACAAGGTGAGGCCAGC-3'
Protein context (NP_004046.2, residues 404-424): CIQQRPKRST[Arg414Leu]REGKGENLAI